The following is an entry in ClinVar:

ClinVar aggregate classification (germline): Uncertain significance (1 of 4 stars; one submission).

gnomAD v4.1: 1 of 1,613,058 alleles (0.000062%); highest among the groups gnomAD compares: Non-Finnish European, 0.000085%; no homozygotes.

Submission:

Labcorp Genetics (formerly Invitae), Labcorp
Classification: Uncertain significance. Last evaluated: 2024-01-11. Review status: criteria provided, single submitter. Criteria: Invitae Variant Classification Sherloc (09022015). Collection method: clinical testing. Allele origin: germline.
Comment: This sequence change replaces phenylalanine, which is neutral and non-polar, with cysteine, which is neutral and slightly polar, at codon 771 of the ABL1 protein (p.Phe771Cys). This variant is not present in population databases (gnomAD no frequency). This variant has not been reported in the literature in individuals affected with ABL1-related conditions. Advanced modeling of protein sequence and biophysical properties (such as structural, functional, and spatial information, amino acid conservation, physicochemical variation, residue mobility, and thermodynamic stability) performed at Invitae indicates that this missense variant is not expected to disrupt ABL1 protein function with a negative predictive value of 95%. In summary, the available evidence is currently insufficient to determine the role of this variant in disease. Therefore, it has been classified as a Variant of Uncertain Significance.

NM_005157.6(ABL1):c.2255T>G (p.Phe752Cys)

Gene: ABL1 (ABL proto-oncogene 1, non-receptor tyrosine kinase; plus strand). Cytogenetic location: 9q34.12.
Variant type: single nucleotide variant.
Coding change: c.2255T>G on transcript NM_005157.6 (MANE Select); coding-DNA position 2255, T replaced by G.
Protein change: p.Phe752Cys; replaces phenylalanine 752 with cysteine.
Molecular consequence: missense variant.
Genome position (GRCh38, 1-based): chr9:130,884,545, T>G. VCF-style: chr9-130884545-T-G. GRCh37 (hg19) VCF-style: chr9-133759932-T-G.
Other names: c.2312T>G, p.Phe771Cys (NM_007313.3); short protein forms F771C, F752C.
Identifiers: ClinVar variation 2851832 (VCV002851832.3), dbSNP rs2490750144, ClinGen allele CA375255733.